The following is an entry in ClinVar:

NM_001017979.3(RAB28):c.572A>G (p.Gln191Arg)

Gene: RAB28 (RAB28, member RAS oncogene family; minus strand). Cytogenetic location: 4p15.33.
Variant type: single nucleotide variant.
Coding change: c.572A>G on transcript NM_001017979.3 (MANE Select); coding-DNA position 572, A replaced by G.
Protein change: p.Gln191Arg; replaces glutamine 191 with arginine.
Molecular consequence: missense variant.
Genome position (GRCh38, 1-based): chr4:13,376,546, T>C on the plus strand (A>G on the coding strand, the complement: RAB28 is on the minus strand). VCF-style: chr4-13376546-T-C. GRCh37 (hg19) VCF-style: chr4-13378170-T-C.
Other names: c.572A>G, p.Gln191Arg (NM_001159601.2, NM_004249.4); short protein forms Q191R.
Identifiers: ClinVar variation 1062405 (VCV001062405.7), dbSNP rs377564106, ClinGen allele CA2860035.
Genomic context (GRCh38, chr4:13,376,546, plus strand): 5'-AAATTAATGCCTTGTAAGAAATTCATTAATTTTTTAAATATAAAGTTCAAGGTAATCACC[T>C]GTGACTGTTCTATTTCTGCTTTGTTTAATTTGATCCCAAGGATTTCAGCAGCAACTTTCT-3'
Protein context (NP_001017979.1, residues 181-201): KLNKAEIEQS[Gln191Arg]RVVKADIVNY

ClinVar aggregate classification (germline): Uncertain significance. Review status: criteria provided, multiple submitters, no conflicts (2 of 4 stars). 2 submissions from 2 submitters: Uncertain significance (2). Last evaluated 2021-08-20.

Allele frequency attached by ClinVar (database versions not stated): TOPMed below 0.00001; gnomAD 0.00001; gnomAD exomes 0.00001; ExAC 0.00002; ESP Exome Variant Server 0.00008.
gnomAD v4.1: 20 of 1,596,448 alleles (0.0013%); highest among the groups gnomAD compares: Non-Finnish European, 0.0017%; no homozygotes.

Submissions (2):

Labcorp Genetics (formerly Invitae), Labcorp
Classification: Uncertain significance. Last evaluated: 2021-08-20. Review status: criteria provided, single submitter. Criteria: Invitae Variant Classification Sherloc (09022015). Collection method: clinical testing. Allele origin: germline.
Comment: This sequence change replaces glutamine with arginine at codon 191 of the RAB28 protein (p.Gln191Arg). The glutamine residue is highly conserved and there is a small physicochemical difference between glutamine and arginine. This variant is present in population databases (rs377564106, ExAC 0.003%). This variant has not been reported in the literature in individuals affected with RAB28-related conditions. Algorithms developed to predict the effect of missense changes on protein structure and function are either unavailable or do not agree on the potential impact of this missense change (SIFT: "Tolerated"; PolyPhen-2: "Possibly Damaging"; Align-GVGD: "Class C0"). Algorithms developed to predict the effect of sequence changes on RNA splicing suggest that this variant may disrupt the consensus splice site. In summary, the available evidence is currently insufficient to determine the role of this variant in disease. Therefore, it has been classified as a Variant of Uncertain Significance.

Blueprint Genetics
Classification: Uncertain significance. Last evaluated: 2019-10-23. Review status: criteria provided, single submitter. Criteria: ACMG Guidelines, 2015. Collection method: clinical testing. Allele origin: germline.